The following is an entry in ClinVar:

ClinVar aggregate classification (germline): Uncertain significance. Review status: criteria provided, multiple submitters, no conflicts (2 of 4 stars). 2 submissions from 2 submitters: Uncertain significance (2). Last evaluated 2026-06-15.

Conditions:
Inborn genetic diseases. Identifiers: MedGen C0950123, MeSH D030342.
EFTUD2-related disorder. Also called: EFTUD2-related condition.

gnomAD v4.1: 18 of 1,613,016 alleles (0.0011%); highest among the groups gnomAD compares: Non-Finnish European, 0.0015%; no homozygotes.

Submissions (2):

Ambry Genetics
Classification: Uncertain significance for Inborn genetic diseases. Last evaluated: 2026-06-15. Review status: criteria provided, single submitter. Criteria: Ambry Variant Classification Scheme 2023. Collection method: clinical testing. Allele origin: germline.

PreventionGenetics, part of Exact Sciences
Classification: Uncertain significance for EFTUD2-related condition. Last evaluated: 2024-12-04. Review status: criteria provided, single submitter. Criteria: ACMG Guidelines, 2015. Collection method: clinical testing. Allele origin: germline.
Comment: The EFTUD2 c.109G>A variant is predicted to result in the amino acid substitution p.Asp37Asn. To our knowledge, this variant has not been reported in the literature or in a large population database (gnomAD), indicating this variant is rare. At this time, the clinical significance of this variant is uncertain due to the absence of conclusive functional and genetic evidence.

NM_004247.4(EFTUD2):c.109G>A (p.Asp37Asn)

Gene: EFTUD2 (elongation factor Tu GTP binding domain containing 2; minus strand). Cytogenetic location: 17q21.31.
Variant type: single nucleotide variant.
Coding change: c.109G>A on transcript NM_004247.4 (MANE Select); coding-DNA position 109, G replaced by A.
Protein change: p.Asp37Asn; replaces aspartic acid 37 with asparagine.
Molecular consequence: missense variant.
Genome position (GRCh38, 1-based): chr17:44,886,747, C>T on the plus strand (G>A on the coding strand, the complement: EFTUD2 is on the minus strand). VCF-style: chr17-44886747-C-T. GRCh37 (hg19) VCF-style: chr17-42964115-C-T.
Other names: c.4G>A, p.Asp2Asn (NM_001142605.2); c.109G>A, p.Asp37Asn (NM_001258353.2, NM_001258354.2); short protein forms D2N, D37N.
Identifiers: ClinVar variation 4979009 (VCV004979009.2).
Genomic context (GRCh38, chr17:44,886,747, plus strand): 5'-CCTCCATCCCAGGGTGGTCATCGTCATGATCTCCTACGTCATCGTCGTCGTCATCATCAT[C>T]CATCTGAAAGCAAGAGGGAGAGGGAGAATCGAAGAGGCACACGCTTTTCCTGTTTGATAT-3'
Protein context (NP_004238.3, residues 27-47): GRETKDLDEM[Asp37Asn]DDDDDDDVGD